The following is an entry in ClinVar:

NM_002474.3(MYH11):c.2828C>A (p.Ala943Asp)

Gene: MYH11 (myosin heavy chain 11; minus strand). Cytogenetic location: 16p13.11.
Variant type: single nucleotide variant.
Coding change: c.2828C>A on transcript NM_002474.3 (MANE Select); coding-DNA position 2828, C replaced by A.
Protein change: p.Ala943Asp; replaces alanine 943 with aspartic acid.
Molecular consequence: missense variant.
Genome position (GRCh38, 1-based): chr16:15,741,494, G>T on the plus strand (C>A on the coding strand, the complement: MYH11 is on the minus strand). VCF-style: chr16-15741494-G-T. GRCh37 (hg19) VCF-style: chr16-15835351-G-T.
Other names: c.2849C>A, p.Ala950Asp (NM_001040113.2, NM_001040114.2); c.2828C>A, p.Ala943Asp (NM_022844.3); short protein forms A943D, A950D.
Identifiers: ClinVar variation 424282 (VCV000424282.22), dbSNP rs763514919, ClinGen allele CA7922168.

ClinVar aggregate classification (germline): Uncertain significance. Review status: criteria provided, multiple submitters, no conflicts (2 of 4 stars). 7 submissions from 7 submitters: Uncertain significance (7). Last evaluated 2025-11-10.

Conditions:
Familial thoracic aortic aneurysm and aortic dissection (TAAD). Also called: Thoracic aortic aneurysms and dissections. Identifiers: Orphanet 91387, MedGen C4707243, MONDO:0019625.
Aortic aneurysm, familial thoracic 4 (AAT4). Also called: AORTIC ANEURYSM/AORTIC DISSECTION AND PATENT DUCTUS ARTERIOSUS. Identifiers: MedGen C1851504, MONDO:0007568, OMIM 132900.

Allele frequency attached by ClinVar (database versions not stated): ExAC 0.00001; gnomAD 0.00001 and 0.00003; gnomAD exomes 0.00001; TOPMed 0.00002.
gnomAD v4.1: 8 of 1,608,762 alleles (0.0005%); highest among the groups gnomAD compares: Non-Finnish European, 0.00068%; no homozygotes.

Submissions (7):

Labcorp Genetics (formerly Invitae), Labcorp
Classification: Uncertain significance for Aortic aneurysm, familial thoracic 4. Last evaluated: 2025-11-10. Review status: criteria provided, single submitter. Criteria: Invitae Variant Classification Sherloc (09022015). Collection method: clinical testing. Allele origin: germline.
Comment: This sequence change replaces alanine, which is neutral and non-polar, with aspartic acid, which is acidic and polar, at codon 950 of the MYH11 protein (p.Ala950Asp). The frequency data for this variant in the population databases is considered unreliable, as metrics indicate poor data quality at this position in the gnomAD database. This variant has not been reported in the literature in individuals affected with MYH11-related conditions. ClinVar contains an entry for this variant (Variation ID: 424282). Invitae Evidence Modeling of protein sequence and biophysical properties (such as structural, functional, and spatial information, amino acid conservation, physicochemical variation, residue mobility, and thermodynamic stability) indicates that this missense variant is not expected to disrupt MYH11 protein function with a negative predictive value of 95%. In summary, the available evidence is currently insufficient to determine the role of this variant in disease. Therefore, it has been classified as a Variant of Uncertain Significance.

Ambry Genetics
Classification: Uncertain significance for Familial thoracic aortic aneurysm and aortic dissection. Last evaluated: 2025-01-21. Review status: criteria provided, single submitter. Criteria: Ambry Variant Classification Scheme 2023. Collection method: clinical testing. Allele origin: germline.
Comment: The p.A943D variant (also known as c.2828C>A), located in coding exon 21 of the MYH11 gene, results from a C to A substitution at nucleotide position 2828. The alanine at codon 943 is replaced by aspartic acid, an amino acid with dissimilar properties. This amino acid position is conserved. In addition, the in silico prediction for this alteration is inconclusive. Since supporting evidence is limited at this time, the clinical significance of this alteration remains unclear.

Color Diagnostics, LLC DBA Color Health
Classification: Uncertain significance for Familial thoracic aortic aneurysm and aortic dissection. Last evaluated: 2024-03-06. Review status: criteria provided, single submitter. Criteria: ACMG Guidelines, 2015. Collection method: clinical testing. Allele origin: germline.
Comment: This missense variant replaces alanine with aspartic acid at codon 950 of the MYH11 protein. Computational prediction suggests that this variant may not impact protein structure and function (internally defined REVEL score threshold <= 0.5, PMID: 27666373). To our knowledge, functional studies have not been reported for this variant. This variant has not been reported in individuals affected with cardiovascular disorders in the literature. This variant has been identified in 4/279078 chromosomes in the general population by the Genome Aggregation Database (gnomAD). The available evidence is insufficient to determine the role of this variant in disease conclusively. Therefore, this variant is classified as a Variant of Uncertain Significance.

All of Us Research Program, National Institutes of Health
Classification: Uncertain significance for Familial thoracic aortic aneurysm and aortic dissection. Last evaluated: 2023-09-17. Review status: criteria provided, single submitter. Criteria: ACMG Guidelines, 2015. Collection method: clinical testing. Allele origin: germline. Inheritance: Autosomal dominant inheritance. Observed: 3 variant alleles, 3 heterozygotes.
Comment: This missense variant replaces alanine with aspartic acid at codon 950 of the MYH11 protein. Computational prediction suggests that this variant may not impact protein structure and function (internally defined REVEL score threshold <= 0.5, PMID: 27666373). To our knowledge, functional studies have not been reported for this variant. This variant has not been reported in individuals affected with cardiovascular disorders in the literature. This variant has been identified in 4/279078 chromosomes in the general population by the Genome Aggregation Database (gnomAD). The available evidence is insufficient to determine the role of this variant in disease conclusively. Therefore, this variant is classified as a Variant of Uncertain Significance.

This study involves interpretation of variants in research participants for the purpose of population health screening. Participant phenotype was not available at the time of variant classification. Additional details can be found in publication PMID: 35346344, PMCID: PMC8962531

CHEO Genetics Diagnostic Laboratory, Children's Hospital of Eastern Ontario
Classification: Uncertain significance for Familial thoracic aortic aneurysm and aortic dissection. Last evaluated: 2022-06-01. Review status: criteria provided, single submitter. Criteria: ACMG Guidelines, 2015. Collection method: clinical testing. Allele origin: germline.

GeneDx
Classification: Uncertain significance. Last evaluated: 2021-09-20. Review status: criteria provided, single submitter. Criteria: GeneDx Variant Classification Process June 2021. Collection method: clinical testing. Allele origin: germline. Affected: yes.
Comment: Has not been previously published as pathogenic or benign to our knowledge; Not observed at significant frequency in large population cohorts (Lek et al., 2016); In silico analysis supports that this missense variant does not alter protein structure/function; Reported in ClinVar as a variant of uncertain significance (ClinVar Variant ID# 424282; Landrum et al., 2016); This variant is associated with the following publications: (PMID: 26582918)

Center for Human Genetics, Inc
Classification: Uncertain significance for Aortic aneurysm, familial thoracic 4. Last evaluated: 2016-11-01. Review status: criteria provided, single submitter. Criteria: ACMG Guidelines, 2015. Collection method: clinical testing. Allele origin: germline. Affected: yes.